The following is an entry in ClinVar:

ClinVar aggregate classification (germline): Uncertain significance (1 of 4 stars; one submission).

Submission:

Labcorp Genetics (formerly Invitae), Labcorp
Classification: Uncertain significance. Last evaluated: 2025-07-16. Review status: criteria provided, single submitter. Criteria: Invitae Variant Classification Sherloc (09022015). Collection method: clinical testing. Allele origin: germline.
Comment: This sequence change falls in intron 8 of the GCKR gene. It does not directly change the encoded amino acid sequence of the GCKR protein. This variant is present in population databases (rs770165242, gnomAD 0.01%). This variant has not been reported in the literature in individuals affected with GCKR-related conditions. Algorithms developed to predict the effect of sequence changes on RNA splicing suggest that this variant may disrupt the consensus splice site. In summary, the available evidence is currently insufficient to determine the role of this variant in disease. Therefore, it has been classified as a Variant of Uncertain Significance.

NM_001486.4(GCKR):c.645-18del

Gene: GCKR (glucokinase regulator; plus strand). Cytogenetic location: 2p23.3.
Variant type: Deletion.
Coding change: c.645-18del on transcript NM_001486.4 (MANE Select); 18 bases into the intron before coding-DNA position 645, one base deleted (T; older notation c.645-18delT).
Molecular consequence: intron variant.
Genome position (GRCh38, 1-based): chr2:27,503,496, T deleted. VCF-style (leftmost placement, unchanged base first): chr2-27503495-GT-G. GRCh37 (hg19) VCF-style: chr2-27726362-GT-G.
Identifiers: ClinVar variation 4690411 (VCV004690411.1).